The following is an entry in ClinVar:

ClinVar aggregate classification (germline): Uncertain significance (1 of 4 stars; one submission).

Conditions:
Congenital myotonia, autosomal dominant form (THD). Also called: THOMSEN DISEASE; Myotonia congenita autosomal dominant. Identifiers: Orphanet 614, MedGen C2936781, MONDO:0008055, OMIM 160800.
Congenital myotonia, autosomal recessive form. Also called: BECKER DISEASE; Becker Generalized Myotonia; myotonia congenita, autosomal recessive. Identifiers: Orphanet 614, MedGen C0751360, MONDO:0009715, OMIM 255700.

Allele frequency attached by ClinVar (database versions not stated): gnomAD exomes below 0.00001 and 0.00001.
gnomAD v4.1: 18 of 1,614,170 alleles (0.0011%); highest among the groups gnomAD compares: Non-Finnish European, 0.0013%; no homozygotes.

Submission:

Labcorp Genetics (formerly Invitae), Labcorp
Classification: Uncertain significance for Congenital myotonia, autosomal recessive form; Congenital myotonia, autosomal dominant form. Last evaluated: 2022-10-24. Review status: criteria provided, single submitter. Criteria: Invitae Variant Classification Sherloc (09022015). Collection method: clinical testing. Allele origin: germline.
Comment: This sequence change replaces alanine, which is neutral and non-polar, with valine, which is neutral and non-polar, at codon 308 of the CLCN1 protein (p.Ala308Val). This variant has not been reported in the literature in individuals affected with CLCN1-related conditions. This variant is present in population databases (no rsID available, gnomAD 0.0009%). In summary, the available evidence is currently insufficient to determine the role of this variant in disease. Therefore, it has been classified as a Variant of Uncertain Significance. Advanced modeling of protein sequence and biophysical properties (such as structural, functional, and spatial information, amino acid conservation, physicochemical variation, residue mobility, and thermodynamic stability) performed at Invitae indicates that this missense variant is expected to disrupt CLCN1 protein function. ClinVar contains an entry for this variant (Variation ID: 1015302).

NM_000083.3(CLCN1):c.923C>T (p.Ala308Val)

Gene: CLCN1 (chloride voltage-gated channel 1; plus strand). Cytogenetic location: 7q34.
Variant type: single nucleotide variant.
Coding change: c.923C>T on transcript NM_000083.3 (MANE Select); coding-DNA position 923, C replaced by T.
Protein change: p.Ala308Val; replaces alanine 308 with valine.
Molecular consequence: missense variant. On other transcripts: non-coding transcript variant (1).
Genome position (GRCh38, 1-based): chr7:143,330,841, C>T. VCF-style: chr7-143330841-C-T. GRCh37 (hg19) VCF-style: chr7-143027934-C-T.
Other names: short protein forms A308V.
Identifiers: ClinVar variation 1015302 (VCV001015302.8), dbSNP rs1406554534, ClinGen allele CA369641636.
Genomic context (GRCh38, chr7:143,330,841, plus strand): 5'-TTAGCATCGAGGTCACCTCCACCTACTTTGCTGTTCGGAACTACTGGAGAGGATTCTTTG[C>T]AGCCACGTTCAGCGCCTTTGTGTTTCGAGTGCTGGCAGTGTGGAACAAGGATGCTGGTAA-3'
Protein context (NP_000074.3, residues 298-318): AVRNYWRGFF[Ala308Val]ATFSAFVFRV